The following is an entry in ClinVar:

ClinVar aggregate classification (germline): Uncertain significance (1 of 4 stars; one submission).

gnomAD v4.1: 1 of 1,608,588 alleles (0.000062%); highest among the groups gnomAD compares: Non-Finnish European, 0.000085%; no homozygotes.

Submission:

Labcorp Genetics (formerly Invitae), Labcorp
Classification: Uncertain significance. Last evaluated: 2020-05-27. Review status: criteria provided, single submitter. Criteria: Invitae Variant Classification Sherloc (09022015). Collection method: clinical testing. Allele origin: germline.
Comment: This sequence change falls in intron 6 of the COL4A3 gene. It does not directly change the encoded amino acid sequence of the COL4A3 protein. This variant is not present in population databases (ExAC no frequency). This variant has not been reported in the literature in individuals with COL4A3-related conditions. Algorithms developed to predict the effect of sequence changes on RNA splicing suggest that this variant may disrupt the consensus splice site, but this prediction has not been confirmed by published transcriptional studies. In summary, the available evidence is currently insufficient to determine the role of this variant in disease. Therefore, it has been classified as a Variant of Uncertain Significance.

NM_000091.5(COL4A3):c.388-8T>A

Genes: COL4A3 (collagen type IV alpha 3 chain; plus strand), MFF-DT (MFF divergent transcript; minus strand). Cytogenetic location: 2q36.3.
Variant type: single nucleotide variant.
Coding change: c.388-8T>A on transcript NM_000091.5 (MANE Select); 8 bases into the intron before coding-DNA position 388, T replaced by A.
Molecular consequence: intron variant.
Genome position (GRCh38, 1-based): chr2:227,246,677, T>A. VCF-style: chr2-227246677-T-A. GRCh37 (hg19) VCF-style: chr2-228111393-T-A.
Identifiers: ClinVar variation 1978494 (VCV001978494.1), dbSNP rs774119052, ClinGen allele CA2580065906.